The following is an entry in ClinVar:

NM_005120.3(MED12):c.2494A>G (p.Lys832Glu)

Gene: MED12 (mediator complex subunit 12; plus strand). Cytogenetic location: Xq13.1.
Variant type: single nucleotide variant.
Coding change: c.2494A>G on transcript NM_005120.3 (MANE Select); coding-DNA position 2494, A replaced by G.
Protein change: p.Lys832Glu; replaces lysine 832 with glutamic acid.
Molecular consequence: missense variant.
Genome position (GRCh38, 1-based): chrX:71,126,107, A>G. VCF-style: chrX-71126107-A-G. GRCh37 (hg19) VCF-style: chrX-70345957-A-G.
Other names: short protein forms K832E.
Identifiers: ClinVar variation 4882401 (VCV004882401.2).

ClinVar aggregate classification (germline): Uncertain significance (1 of 4 stars; one submission).

Submission:

Dasa
Classification: Uncertain significance. Last evaluated: 2026-03-09. Review status: criteria provided, single submitter. Criteria: DASA Assertion Criteria. Collection method: clinical testing. Allele origin: germline.
Comment: NM_005120.3(MED12):c.2494A>G (p.Lys832Glu) is a missense variant that results in the substitution of lysine with glutamic acid. This variant is rare in population databases. Computational prediction algorithms are consistent with a deleterious effect. The currently available literature and clinical evidence are not sufficient to establish a definitive association between this variant and the reported condition. Therefore, this variant is classified as a variant of uncertain significance.